The following is an entry in ClinVar:

NM_002234.4(KCNA5):c.966C>G (p.Asp322Glu)

Gene: KCNA5 (potassium voltage-gated channel subfamily A member 5; plus strand). Cytogenetic location: 12p13.32.
Variant type: single nucleotide variant.
Coding change: c.966C>G on transcript NM_002234.4 (MANE Select); coding-DNA position 966, C replaced by G.
Protein change: p.Asp322Glu; replaces aspartic acid 322 with glutamic acid.
Molecular consequence: missense variant.
Genome position (GRCh38, 1-based): chr12:5,045,113, C>G. VCF-style: chr12-5045113-C-G. GRCh37 (hg19) VCF-style: chr12-5154279-C-G.
Other names: short protein forms D322E.
Identifiers: ClinVar variation 191464 (VCV000191464.1), dbSNP rs199525305, ClinGen allele CA236721.
Genomic context (GRCh38, chr12:5,045,113, plus strand): 5'-GGTCATGGCCCCGCCCTCTGGCCCTACGGTGGCACCGCTCCTGCCCAGGACCCTGGCCGA[C>G]CCCTTCTTCATCGTGGAGACCACGTGCGTCATCTGGTTCACCTTCGAGCTGCTCGTGCGC-3'
Protein context (NP_002225.2, residues 312-332): VAPLLPRTLA[Asp322Glu]PFFIVETTCV

ClinVar aggregate classification (germline): Uncertain significance (1 of 4 stars; one submission).

Allele frequency attached by ClinVar (database versions not stated): gnomAD exomes below 0.00001 and 0.00001; TOPMed below 0.00001; ExAC 0.00001.
gnomAD v4.1: 7 of 1,613,864 alleles (0.00043%); highest among the groups gnomAD compares: Non-Finnish European, 0.00059%; no homozygotes.

Submission:

Biesecker Lab/Clinical Genomics Section, National Institutes of Health
Classification: Uncertain significance. Last evaluated: 2013-06-24. Review status: criteria provided, single submitter. Criteria: Ng et al. (Circ Cardiovasc Genet. 2013). Collection method: research. Allele origin: unknown. Observed: 1 variant allele. Study: ClinSeq.
Comment: The study set was not selected for affection status in relation to any cancer. Pathogenicity categories were based on literature curation. See Pubmed ID:23861362 for details.

Medical sequencing